The following is an entry in ClinVar:

NM_032043.3(BRIP1):c.1795-3T>G

Gene: BRIP1 (BRCA1 interacting DNA helicase 1; minus strand). Cytogenetic location: 17q23.2.
Variant type: single nucleotide variant.
Coding change: c.1795-3T>G on transcript NM_032043.3 (MANE Select); 3 bases into the intron before coding-DNA position 1795, T replaced by G.
Molecular consequence: intron variant.
Genome position (GRCh38, 1-based): chr17:61,780,404, A>C on the plus strand (T>G on the coding strand, the complement: BRIP1 is on the minus strand). VCF-style: chr17-61780404-A-C. GRCh37 (hg19) VCF-style: chr17-59857765-A-C.
Other names: c.1795-3T>G (NM_032043.2).
Identifiers: ClinVar variation 3760008 (VCV003760008.3).
Genomic context (GRCh38, chr17:61,780,404, plus strand): 5'-ATAATGTACCAGATGTCAAAACAATGGTCTGAACTTTGCCATTAATATCTGAAAAGGCCT[A>C]AAAGAAAACAACATTAGATAAATAAAATTATCTTTAGAAGAGGCTGGGCAAAGTGGCTCA-3'

ClinVar aggregate classification (germline): Conflicting classifications of pathogenicity. Review status: criteria provided, conflicting classifications (1 of 4 stars). 2 submissions from 2 submitters: Likely pathogenic (1); Uncertain significance (1). Last evaluated 2025-05-01.

Conditions:
Fanconi anemia complementation group J. Also called: BRIP1-Related Fanconi Anemia. Identifiers: Orphanet 84, MedGen C1836860, MONDO:0012187, OMIM 609054.
Familial cancer of breast. Also called: BREAST CANCER, FAMILIAL; Hereditary breast cancer; hereditary breast carcinoma. Identifiers: Orphanet 227535, MedGen C0346153, MONDO:0016419, OMIM 114480. Disease mechanism: loss of function.
Hereditary cancer-predisposing syndrome. Also called: Tumor predisposition; Neoplastic Syndromes, Hereditary; Hereditary neoplastic syndrome; Hereditary Cancer Syndrome. Identifiers: Orphanet 140162, MedGen C0027672, MeSH D009386, MONDO:0015356.

Submissions (2):

Ambry Genetics
Classification: Uncertain significance for Hereditary cancer-predisposing syndrome. Last evaluated: 2025-05-01. Review status: criteria provided, single submitter. Criteria: Ambry Variant Classification Scheme 2023. Collection method: clinical testing. Allele origin: germline.
Comment: The c.1795-3T>G intronic variant results from a T to G substitution 3 nucleotides upstream from coding exon 12 in the BRIP1 gene. This nucleotide position is not well conserved in available vertebrate species. In silico splice site analysis predicts that this alteration will weaken the native splice acceptor site and may result in the creation or strengthening of a novel splice acceptor site. RNA studies have demonstrated that this alteration results in a transcript predicted to lead to a protein with an in-frame deletion of 47 amino acid(s); however, the exact functional impact of the deleted amino acid(s) is unknown at this time (Ambry internal data). Based on the available evidence, the clinical significance of this variant remains unclear.

Labcorp Genetics (formerly Invitae), Labcorp
Classification: Likely pathogenic for Familial cancer of breast; Fanconi anemia complementation group J. Last evaluated: 2025-03-19. Review status: criteria provided, single submitter. Criteria: Invitae Variant Classification Sherloc (09022015). Collection method: clinical testing. Allele origin: germline.
Comment: This sequence change falls in intron 12 of the BRIP1 gene. It does not directly change the encoded amino acid sequence of the BRIP1 protein. RNA analysis indicates that this variant induces altered splicing and may result in an absent or altered protein product. This variant is not present in population databases (gnomAD no frequency). This variant has not been reported in the literature in individuals affected with BRIP1-related conditions. Variants that disrupt the consensus splice site are a relatively common cause of aberrant splicing (PMID: 17576681, 9536098). Studies have shown that this variant results in skipping of exon 13, and produces a non-functional protein and/or introduces a premature termination codon (internal data). In summary, the currently available evidence indicates that the variant is pathogenic, but additional data are needed to prove that conclusively. Therefore, this variant has been classified as Likely Pathogenic.

Literature cited by the submitters: PubMed 17576681 (cited by Labcorp Genetics (formerly Invitae), Labcorp); PubMed 9536098 (cited by Labcorp Genetics (formerly Invitae), Labcorp).